The following is an entry in ClinVar:

NM_032119.4(ADGRV1):c.18479G>T (p.Cys6160Phe)

Gene: ADGRV1 (adhesion G protein-coupled receptor V1; plus strand). Cytogenetic location: 5q14.3.
Variant type: single nucleotide variant.
Coding change: c.18479G>T on transcript NM_032119.4 (MANE Select); coding-DNA position 18479, G replaced by T.
Protein change: p.Cys6160Phe; replaces cysteine 6160 with phenylalanine.
Molecular consequence: missense variant. On other transcripts: non-coding transcript variant (1).
Genome position (GRCh38, 1-based): chr5:91,150,076, G>T. VCF-style: chr5-91150076-G-T. GRCh37 (hg19) VCF-style: chr5-90445893-G-T.
Other names: short protein forms C6160F.
Identifiers: ClinVar variation 846147 (VCV000846147.10), dbSNP rs1242164038, ClinGen allele CA360432100.

ClinVar aggregate classification (germline): Uncertain significance. Review status: criteria provided, multiple submitters, no conflicts (2 of 4 stars). 3 submissions from 3 submitters: Uncertain significance (3). Last evaluated 2025-09-26.

Conditions:
Inborn genetic diseases. Identifiers: MedGen C0950123, MeSH D030342.
Usher syndrome type 2C. Also called: Usher syndrome, type 2B; USHER SYNDROME, TYPE IIC. Identifiers: Orphanet 231178, Orphanet 886, MedGen C2931213, MONDO:0011558, OMIM 605472.

Allele frequency attached by ClinVar (database versions not stated): gnomAD 0.00001 and 0.00002; gnomAD exomes 0.00001.
gnomAD v4.1: 9 of 1,539,308 alleles (0.00058%); highest among the groups gnomAD compares: Admixed American, 0.01%; no homozygotes.

Submissions (3):

Ambry Genetics
Classification: Uncertain significance for Inborn genetic diseases. Last evaluated: 2025-09-26. Review status: criteria provided, single submitter. Criteria: Ambry Variant Classification Scheme 2023. Collection method: clinical testing. Allele origin: germline.

Labcorp Genetics (formerly Invitae), Labcorp
Classification: Uncertain significance. Last evaluated: 2022-09-01. Review status: criteria provided, single submitter. Criteria: Invitae Variant Classification Sherloc (09022015). Collection method: clinical testing. Allele origin: germline.
Comment: This sequence change replaces cysteine, which is neutral and slightly polar, with phenylalanine, which is neutral and non-polar, at codon 6160 of the ADGRV1 protein (p.Cys6160Phe). This variant is present in population databases (no rsID available, gnomAD 0.004%). This variant has not been reported in the literature in individuals affected with ADGRV1-related conditions. ClinVar contains an entry for this variant (Variation ID: 846147). Algorithms developed to predict the effect of missense changes on protein structure and function are either unavailable or do not agree on the potential impact of this missense change (SIFT: "Tolerated"; PolyPhen-2: "Possibly Damaging"; Align-GVGD: "Class C0"). In summary, the available evidence is currently insufficient to determine the role of this variant in disease. Therefore, it has been classified as a Variant of Uncertain Significance.

Illumina Laboratory Services, Illumina
Classification: Uncertain significance for Usher syndrome type 2C. Last evaluated: 2018-01-13. Review status: criteria provided, single submitter. Criteria: ICSL Variant Classification Criteria 13 December 2019. Collection method: clinical testing. Allele origin: germline.